The following is an entry in ClinVar:

NM_004369.4(COL6A3):c.6282+1G>C

Gene: COL6A3 (collagen type VI alpha 3 chain; minus strand). Cytogenetic location: 2q37.3.
Variant type: single nucleotide variant.
Coding change: c.6282+1G>C on transcript NM_004369.4 (MANE Select); the canonical splice donor site of the intron after coding-DNA position 6282, G replaced by C.
Molecular consequence: splice donor variant.
Genome position (GRCh38, 1-based): chr2:237,360,087, C>G on the plus strand (G>C on the coding strand, the complement: COL6A3 is on the minus strand). VCF-style: chr2-237360087-C-G. GRCh37 (hg19) VCF-style: chr2-238268730-C-G.
Other names: c.4461+1G>C (NM_057166.5); c.5664+1G>C (NM_057167.4).
Identifiers: ClinVar variation 1707195 (VCV001707195.3), dbSNP rs398124128, ClinGen allele CA351216453.

ClinVar aggregate classification (germline): Pathogenic/Likely pathogenic. Review status: criteria provided, multiple submitters, no conflicts (2 of 4 stars). 2 submissions from 2 submitters: Pathogenic (1); Likely pathogenic (1). Last evaluated 2023-05-02.

Conditions:
Collagen 6-related myopathy. Identifiers: MedGen CN117976, MONDO:0100225.

Submissions (2):

Broad Center for Mendelian Genomics, Broad Institute of MIT and Harvard
Classification: Likely pathogenic for Collagen 6-related myopathy. Last evaluated: 2023-05-02. Review status: criteria provided, single submitter. Criteria: ACMG Guidelines, 2015. Collection method: curation. Allele origin: germline. Inheritance: Autosomal dominant inheritance.
Comment: Trio Sanger sequencing analysis showed this variant to be de novo. The c.6282+1G>C variant in COL6A3 has been previously reported in one individual with Ulrich congenital muscular dystrophy 1 (PMID: 25635128). This variant has also been reported in ClinVar (Variation ID: 1707195) and has been interpreted as pathogenic by GeneDx. This variant was absent from large population studies. This variant is located in the 5' splice region. Computational tools predict a splicing impact, though this information is not predictive enough to determine pathogenicity. A different nucleotide change that also results in a splice acceptor variant at the same site, c.6282+1G>A (ClinVar Variation ID: 94959), has been previously reported pathogenic, and the variant being assessed here, c.6282+1G>C, is predicted by SpliceAI to have a similar effect on splicing. There is an in-frame cryptic splice site 72 bases from the intron-exon boundary, providing evidence that this variant may delete 24 amino acids instead of causing loss of function. However, this information is not predictive enough to determine pathogenicity. Heterozygous loss of function of the COL6A3 gene is an established disease mechanism in Ulrich congenital muscular dystrophy 1. In summary, although additional studies are required to fully establish its clinical significance, this variant is likely pathogenic for autosomal dominant Ulrich congenital muscular dystrophy 1. ACMG/AMP Criteria applied: PVS1_Moderate, PS1_Supporting, PS2, PM2_Supporting (Richards 2015).

GeneDx
Classification: Pathogenic. Last evaluated: 2022-03-25. Review status: criteria provided, single submitter. Criteria: GeneDx Variant Classification Process June 2021. Collection method: clinical testing. Allele origin: germline. Affected: yes.
Comment: Canonical splice site variant expected to result in aberrant splicing, although in the absence of functional evidence the actual effect of this sequence change is unknown.; Deletions involving coding exons of this gene are a known mechanism of disease (HGMD); Not observed at significant frequency in large population cohorts (gnomAD); This variant is associated with the following publications: (PMID: 25635128)